The following is an entry in ClinVar:

NM_000382.3(ALDH3A2):c.677G>T (p.Cys226Phe)

Gene: ALDH3A2 (aldehyde dehydrogenase 3 family member A2; plus strand). Cytogenetic location: 17p11.2.
Variant type: single nucleotide variant.
Coding change: c.677G>T on transcript NM_000382.3 (MANE Select); coding-DNA position 677, G replaced by T.
Protein change: p.Cys226Phe; replaces cysteine 226 with phenylalanine.
Molecular consequence: missense variant.
Genome position (GRCh38, 1-based): chr17:19,656,571, G>T. VCF-style: chr17-19656571-G-T. GRCh37 (hg19) VCF-style: chr17-19559884-G-T.
Other names: p.Cys226Phe; c.677G>T, p.Cys226Phe (NM_001031806.2, NM_001369136.1, NM_001369137.2 and 3 more transcripts); c.98G>T, p.Cys33Phe (NM_001369148.2); short protein forms C33F, C226F.
Identifiers: ClinVar variation 4542139 (VCV004542139.1).

ClinVar aggregate classification (germline): Uncertain significance (1 of 4 stars; one submission).

gnomAD v4.1: 21 of 1,610,258 alleles (0.0013%); highest among the groups gnomAD compares: Non-Finnish European, 0.0018%; no homozygotes.

Submission:

Mayo Clinic Laboratories, Mayo Clinic
Classification: Uncertain significance. Last evaluated: 2025-08-25. Review status: criteria provided, single submitter. Criteria: ACMG Guidelines, 2015. Collection method: clinical testing. Allele origin: germline. Observed: 1 variant allele.
Comment: PP3_moderate, PM2_supporting

Literature cited by the submitters: PubMed 15931689; PubMed 25047030; PubMed 9829906.